The following is an entry in ClinVar:

ClinVar aggregate classification (germline): Uncertain significance (1 of 4 stars; one submission).

gnomAD v4.1: 1 of 1,613,612 alleles (0.000062%); highest among the groups gnomAD compares: Non-Finnish European, 0.000085%; no homozygotes.

Submission:

GeneDx
Classification: Uncertain significance. Last evaluated: 2025-02-06. Review status: criteria provided, single submitter. Criteria: GeneDx Variant Classification Process June 2021. Collection method: clinical testing. Allele origin: germline. Affected: yes.
Comment: Not observed at significant frequency in large population cohorts (gnomAD); In silico analysis supports that this missense variant has a deleterious effect on protein structure/function; Has not been previously published as pathogenic or benign to our knowledge

NM_004320.6(ATP2A1):c.2845T>C (p.Tyr949His)

Gene: ATP2A1 (ATPase sarcoplasmic/endoplasmic reticulum Ca2+ transporting 1; plus strand). Cytogenetic location: 16p11.2.
Variant type: single nucleotide variant.
Coding change: c.2845T>C on transcript NM_004320.6 (MANE Select); coding-DNA position 2845, T replaced by C.
Protein change: p.Tyr949His; replaces tyrosine 949 with histidine.
Molecular consequence: missense variant.
Genome position (GRCh38, 1-based): chr16:28,903,130, T>C. VCF-style: chr16-28903130-T-C. GRCh37 (hg19) VCF-style: chr16-28914451-T-C.
Other names: c.2470T>C, p.Tyr824His (NM_001286075.2); c.2845T>C, p.Tyr949His (NM_173201.5); short protein forms Y824H, Y949H.
Identifiers: ClinVar variation 4074529 (VCV004074529.1).